The following is an entry in ClinVar:

ClinVar aggregate classification (germline): Pathogenic. Review status: criteria provided, single submitter (1 of 4 stars). 2 submissions from 2 submitters: Pathogenic (1). 1 of the submissions does not count toward it. Last evaluated 2024-02-22.

Conditions:
Autosomal recessive inherited pseudoxanthoma elasticum (PXE). Identifiers: Orphanet 758, MedGen CN032334, MONDO:0009925, OMIM 264800.

gnomAD v4.1: 9 of 1,613,752 alleles (0.00056%); highest among the groups gnomAD compares: Non-Finnish European, 0.00059%; no homozygotes.

Submissions (2):

Labcorp Genetics (formerly Invitae), Labcorp
Classification: Pathogenic. Last evaluated: 2024-02-22. Review status: criteria provided, single submitter. Criteria: Invitae Variant Classification Sherloc (09022015). Collection method: clinical testing. Allele origin: germline.
Comment: This sequence change creates a premature translational stop signal (p.Tyr768*) in the ABCC6 gene. It is expected to result in an absent or disrupted protein product. Loss-of-function variants in ABCC6 are known to be pathogenic (PMID: 11536079, 17617515). This variant is not present in population databases (gnomAD no frequency). This premature translational stop signal has been observed in individual(s) with pseudoxanthoma elasticum (PMID: 11536079, 34906475). ClinVar contains an entry for this variant (Variation ID: 433270). For these reasons, this variant has been classified as Pathogenic.

PXE International
Classification: Pathogenic for Autosomal recessive inherited pseudoxanthoma elasticum. Review status: no assertion criteria provided. Collection method: research. Allele origin: germline. Affected: yes. Observed: 10 variant alleles. Clinical features observed: Papule (HP:0200034), Skin plaque (HP:0200035), Angioid streaks of the retina (HP:0001102), Abnormally lax or hyperextensible skin (HP:0008067), Retinal hemorrhage (HP:0000573), Gastrointestinal hemorrhage (HP:0002239), Vascular surgery, Angina pectoris (HP:0001681), Abnormal EKG (HP:0003115), Weak or absent arterial pulse, Myocardial infarction (HP:0001658). Not counted in ClinVar's aggregate classification.

Literature cited by the submitters: PubMed 11536079 (cited by Labcorp Genetics (formerly Invitae), Labcorp); PubMed 17617515 (cited by Labcorp Genetics (formerly Invitae), Labcorp); PubMed 34906475 (cited by Labcorp Genetics (formerly Invitae), Labcorp).

NM_001171.6(ABCC6):c.2304C>A (p.Tyr768Ter)

Gene: ABCC6 (ATP binding cassette subfamily C member 6; minus strand). Cytogenetic location: 16p13.11.
Variant type: single nucleotide variant.
Coding change: c.2304C>A on transcript NM_001171.6 (MANE Select); coding-DNA position 2304, C replaced by A.
Protein change: p.Tyr768Ter; replaces tyrosine 768 with a stop codon.
Molecular consequence: nonsense. On other transcripts: non-coding transcript variant (1).
Genome position (GRCh38, 1-based): chr16:16,178,909, G>T on the plus strand (C>A on the coding strand, the complement: ABCC6 is on the minus strand). VCF-style: chr16-16178909-G-T. GRCh37 (hg19) VCF-style: chr16-16272766-G-T.
Other names: c.1962C>A, p.Tyr654Ter (NM_001351800.1); short protein forms Y768*, Y654*.
Identifiers: ClinVar variation 433270 (VCV000433270.4), dbSNP rs66492417, ClinGen allele CA278645357.